The following is an entry in ClinVar:

NM_005445.4(SMC3):c.2206T>G (p.Leu736Val)

Gene: SMC3 (structural maintenance of chromosomes 3; plus strand). Cytogenetic location: 10q25.2.
Variant type: single nucleotide variant.
Coding change: c.2206T>G on transcript NM_005445.4 (MANE Select); coding-DNA position 2206, T replaced by G.
Protein change: p.Leu736Val; replaces leucine 736 with valine.
Molecular consequence: missense variant.
Genome position (GRCh38, 1-based): chr10:110,598,228, T>G. VCF-style: chr10-110598228-T-G. GRCh37 (hg19) VCF-style: chr10-112357986-T-G.
Other names: short protein forms L736V.
Identifiers: ClinVar variation 3898998 (VCV003898998.1).

ClinVar aggregate classification (germline): Uncertain significance (1 of 4 stars; one submission).

Submission:

GeneDx
Classification: Uncertain significance. Last evaluated: 2024-11-06. Review status: criteria provided, single submitter. Criteria: GeneDx Variant Classification Process June 2021. Collection method: clinical testing. Allele origin: germline. Affected: yes.
Comment: Not observed at significant frequency in large population cohorts (gnomAD); In silico analysis indicates that this missense variant does not alter protein structure/function; Has not been previously published as pathogenic or benign to our knowledge